The following is an entry in ClinVar:

NM_001104631.2(PDE4D):c.*2288A>G

Gene: PDE4D (phosphodiesterase 4D; minus strand). Cytogenetic location: 5q11.2.
Variant type: single nucleotide variant.
Coding change: c.*2288A>G on transcript NM_001104631.2 (MANE Select); 2288 bases downstream of the stop codon, A replaced by G.
Molecular consequence: 3 prime UTR variant.
Genome position (GRCh38, 1-based): chr5:58,972,376, T>C on the plus strand (A>G on the coding strand, the complement: PDE4D is on the minus strand). VCF-style: chr5-58972376-T-C. GRCh37 (hg19) VCF-style: chr5-58268203-T-C.
Other names: c.*2288A>G (NM_001165899.2, NM_001197218.2, NM_001197219.2 and 11 more transcripts).
Identifiers: ClinVar variation 353946 (VCV000353946.6), dbSNP rs10036063, ClinGen allele CA10624815.

ClinVar aggregate classification (germline): Benign. Review status: criteria provided, multiple submitters, no conflicts (2 of 4 stars). 2 submissions from 2 submitters: Benign (2). Last evaluated 2018-01-12.

Conditions:
Acrodysostosis 2 with or without hormone resistance. Also called: ACRODYSOSTOSIS 2 WITH HORMONE RESISTANCE; ACRODYSOSTOSIS 2 WITHOUT HORMONE RESISTANCE. Identifiers: Orphanet 280651, MedGen C3553250, MONDO:0013822, OMIM 614613.

Allele frequency attached by ClinVar (database versions not stated): TOPMed 0.15625; 1000 Genomes Project 0.16014; gnomAD 0.16050 and 0.16069; 1000 Genomes Project 30x 0.16443; gnomAD exomes 0.22196.
gnomAD v4.1: 24,440 of 152,504 alleles (16%); highest among the groups gnomAD compares: Admixed American, 19%; 2,062 homozygotes.

Submissions (2):

Illumina Laboratory Services, Illumina
Classification: Benign for Acrodysostosis 2 with or without hormone resistance. Last evaluated: 2018-01-12. Review status: criteria provided, single submitter. Criteria: ICSL Variant Classification Criteria 13 December 2019. Collection method: clinical testing. Allele origin: germline.
Comment: This variant was observed in the ICSL laboratory as part of a predisposition screen in an ostensibly healthy population. It had not been previously curated by ICSL or reported in the Human Gene Mutation Database (HGMD: prior to June 1st, 2018), and was therefore a candidate for classification through an automated scoring system. Utilizing variant allele frequency, disease prevalence and penetrance estimates, and inheritance mode, an automated score was calculated to assess if this variant is too frequent to cause the disease. Based on the score and internal cut-off values, a variant classified as benign is not then subjected to further curation. The score for this variant resulted in a classification of benign for this disease.

Breakthrough Genomics
Classification: Benign. Review status: criteria provided, single submitter. Criteria: ACMG Guidelines, 2015. Collection method: not provided. Allele origin: germline. Inheritance: Autosomal dominant inheritance. Affected: yes.